The following is an entry in ClinVar:

NM_002661.5(PLCG2):c.2326G>T (p.Ala776Ser)

Gene: PLCG2 (phospholipase C gamma 2; plus strand). Cytogenetic location: 16q23.3.
Variant type: single nucleotide variant.
Coding change: c.2326G>T on transcript NM_002661.5 (MANE Select); coding-DNA position 2326, G replaced by T.
Protein change: p.Ala776Ser; replaces alanine 776 with serine.
Molecular consequence: missense variant.
Genome position (GRCh38, 1-based): chr16:81,923,503, G>T. VCF-style: chr16-81923503-G-T. GRCh37 (hg19) VCF-style: chr16-81957108-G-T.
Other names: short protein forms A776S.
Identifiers: ClinVar variation 2069811 (VCV002069811.4), dbSNP rs761138102, ClinGen allele CA8194229.

ClinVar aggregate classification (germline): Uncertain significance (1 of 4 stars; one submission).

Conditions:
Familial cold autoinflammatory syndrome 3 (FCAS3). Also called: FAMILIAL ATYPICAL COLD URTICARIA; ANTIBODY DEFICIENCY AND IMMUNE DYSREGULATION, PLCG2-ASSOCIATED. Identifiers: Orphanet 300359, MedGen C3280914, MONDO:0013766, OMIM 614468.

Allele frequency attached by ClinVar (database versions not stated): gnomAD 0.00001; gnomAD exomes 0.00001; TOPMed 0.00002; ExAC 0.00003.

Submission:

Labcorp Genetics (formerly Invitae), Labcorp
Classification: Uncertain significance for Familial cold autoinflammatory syndrome 3. Last evaluated: 2022-06-14. Review status: criteria provided, single submitter. Criteria: Invitae Variant Classification Sherloc (09022015). Collection method: clinical testing. Allele origin: germline.
Comment: This sequence change replaces alanine, which is neutral and non-polar, with serine, which is neutral and polar, at codon 776 of the PLCG2 protein (p.Ala776Ser). This variant is present in population databases (rs761138102, gnomAD 0.06%). This variant has not been reported in the literature in individuals affected with PLCG2-related conditions. Algorithms developed to predict the effect of missense changes on protein structure and function (SIFT, PolyPhen-2, Align-GVGD) all suggest that this variant is likely to be disruptive. In summary, the available evidence is currently insufficient to determine the role of this variant in disease. Therefore, it has been classified as a Variant of Uncertain Significance.